The following is an entry in ClinVar:

ClinVar aggregate classification (germline): Likely benign. Review status: criteria provided, multiple submitters, no conflicts (2 of 4 stars). 2 submissions from 2 submitters: Likely benign (2). Last evaluated 2022-06-04.

Conditions:
Medium-chain acyl-coenzyme A dehydrogenase deficiency (ACADMD). Also called: CARNITINE DEFICIENCY SECONDARY TO MEDIUM-CHAIN ACYL-CoA DEHYDROGENASE DEFICIENCY; MCADH DEFICIENCY; MCADD; Medium chain acyl-CoA dehydrogenase deficiency; MCAD Deficiency; ACADM DEFICIENCY. Identifiers: Orphanet 42, MedGen C0220710, MONDO:0008721, OMIM 201450.

Allele frequency attached by ClinVar (database versions not stated): gnomAD exomes below 0.00001.
gnomAD v4.1: 1 of 1,613,020 alleles (0.000062%); highest among the groups gnomAD compares: Non-Finnish European, 0.000085%; no homozygotes.

Submissions (2):

Labcorp Genetics (formerly Invitae), Labcorp
Classification: Likely benign for Medium-chain acyl-coenzyme A dehydrogenase deficiency. Last evaluated: 2022-06-04. Review status: criteria provided, single submitter. Criteria: Invitae Variant Classification Sherloc (09022015). Collection method: clinical testing. Allele origin: germline.

GeneDx
Classification: Likely benign. Last evaluated: 2016-12-13. Review status: criteria provided, single submitter. Criteria: GeneDx Variant Classification (06012015). Collection method: clinical testing. Allele origin: germline. Affected: yes.
Comment: This variant is considered likely benign or benign based on one or more of the following criteria: it is a conservative change, it occurs at a poorly conserved position in the protein, it is predicted to be benign by multiple in silico algorithms, and/or has population frequency not consistent with disease.

NM_000016.6(ACADM):c.946-9T>C

Gene: ACADM (acyl-CoA dehydrogenase medium chain; plus strand). Cytogenetic location: 1p31.1.
Variant type: single nucleotide variant.
Coding change: c.946-9T>C on transcript NM_000016.6 (MANE Select); 9 bases into the intron before coding-DNA position 946, T replaced by C.
Molecular consequence: intron variant.
Genome position (GRCh38, 1-based): chr1:75,761,113, T>C. VCF-style: chr1-75761113-T-C. GRCh37 (hg19) VCF-style: chr1-76226798-T-C.
Other names: c.958-9T>C (NM_001127328.3); c.1045-9T>C (NM_001286043.2); c.838-9T>C (NM_001286042.2); c.379-9T>C (NM_001286044.2).
Identifiers: ClinVar variation 391982 (VCV000391982.5), dbSNP rs1057524311, ClinGen allele CA16603790.
Genomic context (GRCh38, chr1:75,761,113, plus strand): 5'-AAAGCCCCAGGAAAAAACTTTTAAGTTTTCTCAATAAATATCCTTTAATTTTTTTCTTTT[T>C]AATTCTAGCACCAAGCAATATCATTTATGCTGGCTGAAATGGCAATGAAAGTTGAACTAG-3'